The following is an entry in ClinVar:

ClinVar aggregate classification (germline): other (0 of 4 stars; one submission).

Conditions:
Familial colorectal cancer. Identifiers: MedGen CN280943, MONDO:0023113. Disease mechanism: loss of function.

Submission:

Systems Biology Platform Zhejiang California International NanoSystems Institute
Classification: other for Familial colorectal cancer. Review status: no assertion criteria provided. Collection method: not provided. Allele origin: unknown.
ClinVar note: Converted during submission from cancer to other.

NM_000038.6(APC):c.136-5233G>C

Gene: APC (APC regulator of WNT signaling pathway; plus strand). Cytogenetic location: 5q22.2.
Variant type: single nucleotide variant.
Coding change: c.136-5233G>C on transcript NM_000038.6 (MANE Select); 5233 bases into the intron before coding-DNA position 136, G replaced by C.
Molecular consequence: intron variant.
Genome position (GRCh38, 1-based): chr5:112,761,093, G>C. VCF-style: chr5-112761093-G-C. GRCh37 (hg19) VCF-style: chr5-112096790-G-C.
Other names: c.136-5233G>C (NM_001354895.2, NM_001127510.3, NM_001354896.2 and 2 more transcripts); c.166-5233G>C (NM_001354897.2, NM_001354902.2, NM_001127511.3); c.61-5233G>C (NM_001354898.2, NM_001354904.2); c.-900-5233G>C (NM_001354906.2); c.-42-5233G>C (NM_001354900.2, NM_001354901.2, NM_001354905.2).
Identifiers: ClinVar variation 82839 (VCV000082839.2), dbSNP rs78705673, ClinGen allele CA004783.